The following is an entry in ClinVar:

ClinVar aggregate classification (germline): Uncertain significance (1 of 4 stars; one submission).

Conditions:
Charcot-Marie-Tooth disease type 2. Also called: Charcot-Marie-Tooth type 2. Identifiers: Orphanet 64746, MedGen C0270914, MONDO:0018993.

Submission:

Labcorp Genetics (formerly Invitae), Labcorp
Classification: Uncertain significance for Charcot-Marie-Tooth disease type 2. Last evaluated: 2025-04-27. Review status: criteria provided, single submitter. Criteria: Invitae Variant Classification Sherloc (09022015). Collection method: clinical testing. Allele origin: germline.
Comment: This sequence change replaces arginine, which is basic and polar, with serine, which is neutral and polar, at codon 343 of the AARS protein (p.Arg343Ser). This variant is not present in population databases (gnomAD no frequency). This variant has not been reported in the literature in individuals affected with AARS-related conditions. ClinVar contains an entry for this variant (Variation ID: 2724217). Invitae Evidence Modeling of protein sequence and biophysical properties (such as structural, functional, and spatial information, amino acid conservation, physicochemical variation, residue mobility, and thermodynamic stability) indicates that this missense variant is not expected to disrupt AARS protein function with a negative predictive value of 95%. In summary, the available evidence is currently insufficient to determine the role of this variant in disease. Therefore, it has been classified as a Variant of Uncertain Significance.

NM_001605.3(AARS1):c.1029G>T (p.Arg343Ser)

Gene: AARS1 (alanyl-tRNA synthetase 1; minus strand). Cytogenetic location: 16q22.1.
Variant type: single nucleotide variant.
Coding change: c.1029G>T on transcript NM_001605.3 (MANE Select); coding-DNA position 1029, G replaced by T.
Protein change: p.Arg343Ser; replaces arginine 343 with serine.
Molecular consequence: missense variant.
Genome position (GRCh38, 1-based): chr16:70,268,313, C>A on the plus strand (G>T on the coding strand, the complement: AARS1 is on the minus strand). VCF-style: chr16-70268313-C-A. GRCh37 (hg19) VCF-style: chr16-70302216-C-A.
Other names: short protein forms R343S.
Identifiers: ClinVar variation 2724217 (VCV002724217.3), dbSNP rs2507013980, ClinGen allele CA396564166.